The following is an entry in ClinVar:

NM_000051.4(ATM):c.7778A>G (p.Gln2593Arg)

Genes: ATM (ATM serine/threonine kinase; plus strand), C11orf65 (chromosome 11 open reading frame 65; minus strand). Cytogenetic location: 11q22.3.
Variant type: single nucleotide variant.
Coding change: c.7778A>G on transcript NM_000051.4 (MANE Select); coding-DNA position 7778, A replaced by G.
Protein change: p.Gln2593Arg; replaces glutamine 2593 with arginine.
Molecular consequence: missense variant. On other transcripts: intron variant (2).
Genome position (GRCh38, 1-based): chr11:108,332,027, A>G. VCF-style: chr11-108332027-A-G. GRCh37 (hg19) VCF-style: chr11-108202754-A-G.
Other names: p.Q2593R:CAG>CGG; c.7778A>G, p.Gln2593Arg (NM_001351834.2); c.641-22956T>C (NM_001330368.2); c.*38+3193T>C (NM_001351110.2); short protein forms Q2593R.
Identifiers: ClinVar variation 127449 (VCV000127449.40), dbSNP rs587779867, ClinGen allele CA286997.

ClinVar aggregate classification (germline): Conflicting classifications of pathogenicity. Review status: criteria provided, conflicting classifications (1 of 4 stars). 15 submissions from 15 submitters: Uncertain significance (8); Likely benign (5). 2 of the submissions do not count toward it. Last evaluated 2026-01-11.

Conditions:
Hereditary cancer. Identifiers: MedGen C1333600.
Hereditary cancer-predisposing syndrome. Also called: Neoplastic Syndromes, Hereditary; Hereditary Cancer Syndrome; Tumor predisposition; Hereditary neoplastic syndrome. Identifiers: Orphanet 140162, MedGen C0027672, MeSH D009386, MONDO:0015356.
Familial cancer of breast. Also called: BREAST CANCER, FAMILIAL; hereditary breast carcinoma; Hereditary breast cancer. Identifiers: Orphanet 227535, MedGen C0346153, MONDO:0016419, OMIM 114480. Disease mechanism: loss of function.
Ataxia-telangiectasia syndrome (AT). Also called: Ataxia-telangiectasia, complementation group D; AT, COMPLEMENTATION GROUP C; Ataxia-telangiectasia; ATAXIA-TELANGIECTASIA, COMPLEMENTATION GROUP A; ATAXIA-TELANGIECTASIA, FRESNO VARIANT; Ataxia-telangiectasia, complementation group E. Identifiers: Orphanet 100, MedGen C0004135, MONDO:0008840, OMIM 208900.

Allele frequency attached by ClinVar (database versions not stated): ExAC 0.00006; gnomAD 0.00008 and 0.00007; gnomAD exomes 0.00004 and 0.00008; TOPMed 0.00007.
gnomAD v4.1: 71 of 1,613,732 alleles (0.0044%); highest among the groups gnomAD compares: Admixed American, 0.005%; no homozygotes.

Submissions (15):

Labcorp Genetics (formerly Invitae), Labcorp
Classification: Likely benign for Ataxia-telangiectasia syndrome. Last evaluated: 2026-01-11. Review status: criteria provided, single submitter. Criteria: Invitae Variant Classification Sherloc (09022015). Collection method: clinical testing. Allele origin: germline.

Women's Health and Genetics/Laboratory Corporation of America, LabCorp
Classification: Likely benign. Last evaluated: 2025-12-04. Review status: criteria provided, single submitter. Criteria: LabCorp Variant Classification Summary - May 2015. Collection method: clinical testing. Allele origin: germline.
Comment: Variant summary: ATM c.7778A>G (p.Gln2593Arg) results in a conservative amino acid change in the encoded protein sequence. The variant allele was found at a frequency of 4.4e-05 in 1613732 control chromosomes, predominantly at a frequency of 0.0016 within the Ashkenazi Jewish subpopulation in the gnomAD database. The observed variant frequency within Ashkenazi Jewish control individuals in the gnomAD database exceeds the estimated maximal expected allele frequency for disease-causing variants in ATM. c.7778A>G has been observed in settings of multigene panel testing, where it has been reported as either a VUS or likely benign, in individuals affected with or with a family history of pancreatic cancer, breast cancer and/or ovarian cancer (e.g. Maxwell_2014, Abe_2019, Guglielmi_2021). These reports do not provide unequivocal conclusions about association of the variant with breast cancer or other ATM-related conditions. At least one publication reports experimental evidence evaluating an impact on protein function. The most pronounced variant effect resulted in approximately 88% of normal activity in a complementation assay and the variant was considered functionally neutral (Hanenberg_2025). The following publications have been ascertained in the context of this evaluation (PMID: 30883245, 36845387, 34299313, 40105422, 25503501). ClinVar contains an entry for this variant (Variation ID: 127449). Based on the evidence outlined above, the variant was classified as likely benign.

Color Diagnostics, LLC DBA Color Health
Classification: Uncertain significance for Hereditary cancer-predisposing syndrome. Last evaluated: 2025-05-14. Review status: criteria provided, single submitter. Criteria: ACMG Guidelines, 2015. Collection method: clinical testing. Allele origin: germline.
Comment: This missense variant replaces glutamine with arginine at codon 2593 of the ATM protein. Computational prediction suggests that this variant may not impact protein structure and function. A high-throughput pKAP1 assay reported that this variant did not impact function (PMID: 40105422). This variant has been reported in individuals affected with breast cancer (PMID: 25503501, 28503720, 28779002, 30883245, 33471991, 34299313) and chronic lymphocytic leukemia (PMID: 36315919). This variant has been identified in 21/250896 chromosomes in the general population by the Genome Aggregation Database (gnomAD). The available evidence is insufficient to determine the role of this variant in disease conclusively. Therefore, this variant is classified as a Variant of Uncertain Significance.

Mendelics
Classification: Likely benign for Hereditary cancer. Last evaluated: 2024-09-11. Review status: criteria provided, single submitter. Criteria: ACMG Guidelines, 2015. Collection method: clinical testing. Allele origin: unknown.
Comment: This variant is considered likely benign or benign based on one or more of the following: it is predicted to be benign by multiple in silico algorithms, and/or has population frequency not consistent with disease, and/or has normal protein function, and/or has lack of segregation with disease, and/or has been detected in co-occurrence with known pathogenic variant, and/or has lack of disease association in case-control studies, and/or is located in a region inconsistent with a known cause of pathogenicity.

Blueprint Genetics
Classification: Uncertain significance. Last evaluated: 2024-07-02. Review status: criteria provided, single submitter. Criteria: ACMG Guidelines, 2015. Collection method: clinical testing. Allele origin: germline.

Department of Pathology and Laboratory Medicine, Sinai Health System
Classification: Uncertain significance for Familial cancer of breast. Last evaluated: 2024-02-05. Review status: criteria provided, single submitter. Criteria: ACMG Guidelines, 2015. Collection method: clinical testing. Allele origin: germline. Affected: yes.

Institute for Biomarker Research, Medical Diagnostic Laboratories, L.L.C.
Classification: Uncertain significance for Hereditary cancer-predisposing syndrome. Last evaluated: 2023-11-21. Review status: criteria provided, single submitter. Criteria: ACMG Guidelines, 2015. Collection method: clinical testing. Allele origin: germline.

GeneDx
Classification: Uncertain significance. Last evaluated: 2023-11-09. Review status: criteria provided, single submitter. Criteria: GeneDx Variant Classification Process June 2021. Collection method: clinical testing. Allele origin: germline. Affected: yes.
Comment: In silico analysis supports that this missense variant does not alter protein structure/function; This variant is associated with the following publications: (PMID: 25503501, 28503720, 28779002, 30883245, 36845387)

Quest Diagnostics Nichols Institute San Juan Capistrano
Classification: Likely benign. Last evaluated: 2022-12-06. Review status: criteria provided, single submitter. Criteria: Quest Diagnostics criteria. Collection method: clinical testing. Allele origin: unknown.

MGZ Medical Genetics Center
Classification: Uncertain significance for Familial cancer of breast. Last evaluated: 2022-08-24. Review status: criteria provided, single submitter. Criteria: ACMG Guidelines, 2015. Collection method: clinical testing. Allele origin: germline. Affected: yes. Observed: 1 variant allele.
Comment: ACMG criteria applied: PM2_SUP, BP4

Sema4
Classification: Uncertain significance for Hereditary cancer-predisposing syndrome. Last evaluated: 2022-03-03. Review status: criteria provided, single submitter. Criteria: Sema4 Curation Guidelines. Collection method: curation. Allele origin: germline.
Comment: The ATM c.7778A>G (p.Q2593R) variant has been reported in heterozygosity in individuals with breast cancer, kidney cancer and individuals with family history of pancreatic cancer (PMID: 28503720, 25503501, 28779002, 30883245, 29684080). It was observed in 15/10054 chromosomes of the Ashkenazi Jewish subpopulation, with no homozygotes, in the large and broad cohorts of the Genome Aggregation Database (PMID: 32461654). This variant has been reported in ClinVar (Variation ID 127449). Functional studies have not been performed, and in silico predictions of the variant's effect on protein function are inconclusive. The evidence is insufficient to meet ACMG/AMP criteria for classifying the variant as benign or pathogenic. Thus, the clinical significance of this variant is currently uncertain.

Ambry Genetics
Classification: Likely benign for Hereditary cancer-predisposing syndrome. Last evaluated: 2020-09-11. Review status: criteria provided, single submitter. Criteria: Ambry Variant Classification Scheme 2023. Collection method: clinical testing. Allele origin: germline.

Division of Medical Genetics, University of Washington
Classification: Uncertain significance for Familial cancer of breast. Last evaluated: 2019-10-04. Review status: criteria provided, single submitter. Criteria: ACMG Guidelines, 2015. Collection method: clinical testing. Allele origin: germline. Affected: no. Study: CSER_CHARM.
Comment: This variant has been reported in the literature in several individuals with breast cancer (Maxwell 2015, Rummel 2017, Decker 2017). This variant has an overall allele frequency of 0.00008 in the Broad Institute gnomAD Browser. In silico analyses indicate this is an evolutionarily conserved residue. PP3

Natera, Inc.
Classification: Uncertain significance for Ataxia-telangiectasia. Last evaluated: 2020-09-16. Review status: no assertion criteria provided. Collection method: clinical testing. Allele origin: germline. Not counted in ClinVar's aggregate classification.

Counsyl
Classification: Uncertain significance for Ataxia-telangiectasia syndrome. Last evaluated: 2018-05-14. Review status: no assertion criteria provided. Collection method: clinical testing. Allele origin: unknown. Not counted in ClinVar's aggregate classification.

Literature cited by the submitters: PubMed 25503501 (cited by 6 submitters); PubMed 30883245 (cited by 6 submitters); PubMed 34299313 (cited by Women's Health and Genetics/Laboratory Corporation of America, LabCorp and Color Diagnostics, LLC DBA Color Health); PubMed 36845387 (cited by Women's Health and Genetics/Laboratory Corporation of America, LabCorp); PubMed 40105422 (cited by Women's Health and Genetics/Laboratory Corporation of America, LabCorp and Color Diagnostics, LLC DBA Color Health); PubMed 28503720 (cited by 5 submitters); PubMed 28779002 (cited by 5 submitters); PubMed 33471991 (cited by 3 submitters); PubMed 36315919 (cited by Color Diagnostics, LLC DBA Color Health); PubMed 29684080 (cited by Sema4 and Ambry Genetics).